The following is an entry in ClinVar:

NM_005413.4(SIX3):c.1A>G (p.Met1Val)

Gene: SIX3 (SIX homeobox 3; plus strand). Cytogenetic location: 2p21.
Variant type: single nucleotide variant.
Coding change: c.1A>G on transcript NM_005413.4 (MANE Select); coding-DNA position 1, A replaced by G.
Protein change: p.Met1Val; changes the start codon (methionine 1).
Molecular consequence: missense variant, initiator codon variant.
Genome position (GRCh38, 1-based): chr2:44,942,105, A>G. VCF-style: chr2-44942105-A-G. GRCh37 (hg19) VCF-style: chr2-45169244-A-G.
Other names: short protein forms M1V.
Identifiers: ClinVar variation 504413 (VCV000504413.4), dbSNP rs1553337590, ClinGen allele CA346798674.

ClinVar aggregate classification (germline): Conflicting classifications of pathogenicity. Review status: criteria provided, conflicting classifications (1 of 4 stars). 2 submissions from 2 submitters: Likely pathogenic (1); Uncertain significance (1). Last evaluated 2022-05-11.

Allele frequency attached by ClinVar (database versions not stated): gnomAD exomes below 0.00001.

Submissions (2):

Blueprint Genetics
Classification: Uncertain significance. Last evaluated: 2022-05-11. Review status: criteria provided, single submitter. Criteria: ACMG Guidelines, 2015. Collection method: clinical testing. Allele origin: germline.

GeneDx
Classification: Likely pathogenic. Last evaluated: 2018-03-06. Review status: criteria provided, single submitter. Criteria: GeneDx Variant Classification (06012015). Collection method: clinical testing. Allele origin: germline. Affected: yes.
Comment: The c.1 A>G variant has not been published as a pathogenic variant, nor has it been reported as a benign variant to our knowledge. The c.1 A>G variant is not observed in large population cohorts (Lek et al., 2016). The c.1 A>G variant alters the initiator Methionine codon, and the resultant protein would be described as p.Met1?, using a question mark to signify that it is not known if the loss of Met1 means that all protein translation is completely prevented or if an abnormal protein is produced using an alternate Methionine.